The following is an entry in ClinVar:

ClinVar aggregate classification (germline): Likely pathogenic (1 of 4 stars; one submission).

Conditions:
Familial thoracic aortic aneurysm and aortic dissection (TAAD). Also called: Thoracic aortic aneurysms and dissections. Identifiers: Orphanet 91387, MedGen C4707243, MONDO:0019625.
Marfan syndrome (MFS). Also called: FBN1-Related Marfan Syndrome; Marfan's syndrome; MARFAN SYNDROME, TYPE I; Marfan syndrome type 1; Marfan syndrome, classic. Identifiers: Orphanet 284963, Orphanet 558, MedGen C0024796, MONDO:0007947, OMIM 154700.

Submission:

Labcorp Genetics (formerly Invitae), Labcorp
Classification: Likely pathogenic for Marfan syndrome; Familial thoracic aortic aneurysm and aortic dissection. Last evaluated: 2023-03-10. Review status: criteria provided, single submitter. Criteria: Invitae Variant Classification Sherloc (09022015). Collection method: clinical testing. Allele origin: germline.
Comment: In summary, the currently available evidence indicates that the variant is pathogenic, but additional data are needed to prove that conclusively. Therefore, this variant has been classified as Likely Pathogenic. This variant disrupts the p.Trp854 amino acid residue in FBN1. Other variant(s) that disrupt this residue have been observed in individuals with FBN1-related conditions (PMID: 25652356, 25907466), which suggests that this may be a clinically significant amino acid residue. Advanced modeling of protein sequence and biophysical properties (such as structural, functional, and spatial information, amino acid conservation, physicochemical variation, residue mobility, and thermodynamic stability) performed at Invitae indicates that this missense variant is expected to disrupt FBN1 protein function. This sequence change replaces tryptophan, which is neutral and slightly polar, with serine, which is neutral and polar, at codon 854 of the FBN1 protein (p.Trp854Ser). ClinVar contains an entry for this variant (Variation ID: 864732). This missense change has been observed in individual(s) with clinical features of Marfan syndrome (Invitae). This variant is not present in population databases (gnomAD no frequency).

Literature cited by the submitters: PubMed 25652356; PubMed 25907466.

NM_000138.5(FBN1):c.2561G>C (p.Trp854Ser)

Gene: FBN1 (fibrillin 1; minus strand). Cytogenetic location: 15q21.1.
Variant type: single nucleotide variant.
Coding change: c.2561G>C on transcript NM_000138.5 (MANE Select); coding-DNA position 2561, G replaced by C.
Protein change: p.Trp854Ser; replaces tryptophan 854 with serine.
Molecular consequence: missense variant.
Genome position (GRCh38, 1-based): chr15:48,495,239, C>G on the plus strand (G>C on the coding strand, the complement: FBN1 is on the minus strand). VCF-style: chr15-48495239-C-G. GRCh37 (hg19) VCF-style: chr15-48787436-C-G.
Other names: short protein forms W854S.
Identifiers: ClinVar variation 864732 (VCV000864732.9), dbSNP rs1597568968, ClinGen allele CA392332860.